The following is an entry in ClinVar:

ClinVar aggregate classification (germline): Uncertain significance (1 of 4 stars; one submission).

Submission:

Labcorp Genetics (formerly Invitae), Labcorp
Classification: Uncertain significance. Last evaluated: 2021-07-17. Review status: criteria provided, single submitter. Criteria: Invitae Variant Classification Sherloc (09022015). Collection method: clinical testing. Allele origin: germline.
Comment: Algorithms developed to predict the effect of missense changes on protein structure and function (SIFT, PolyPhen-2, Align-GVGD) all suggest that this variant is likely to be tolerated. In summary, the available evidence is currently insufficient to determine the role of this variant in disease. Therefore, it has been classified as a Variant of Uncertain Significance. This variant has not been reported in the literature in individuals affected with ERBB2-related conditions. This variant is not present in population databases (ExAC no frequency). This sequence change replaces glutamine with lysine at codon 533 of the ERBB2 protein (p.Gln533Lys). The glutamine residue is weakly conserved and there is a small physicochemical difference between glutamine and lysine.

NM_004448.4(ERBB2):c.1597C>A (p.Gln533Lys)

Gene: ERBB2 (erb-b2 receptor tyrosine kinase 2; plus strand). Cytogenetic location: 17q12.
Variant type: single nucleotide variant.
Coding change: c.1597C>A on transcript NM_004448.4 (MANE Select); coding-DNA position 1597, C replaced by A.
Protein change: p.Gln533Lys; replaces glutamine 533 with lysine.
Molecular consequence: missense variant. On other transcripts: non-coding transcript variant (1), intron variant (1).
Genome position (GRCh38, 1-based): chr17:39,716,384, C>A. VCF-style: chr17-39716384-C-A. GRCh37 (hg19) VCF-style: chr17-37872637-C-A.
Other names: c.1597C>A, p.Gln533Lys (NM_001382800.1, NM_001382801.1, NM_001382803.1 and 11 more transcripts); c.1339C>A, p.Gln447Lys (NM_001382802.1); c.769C>A, p.Gln257Lys (NM_001382804.1); c.1222+1025C>A (NM_001382806.1); c.1507C>A, p.Gln503Lys (NM_001005862.3, NM_001289938.2, NM_001382782.1 and 1 more transcripts); c.1552C>A, p.Gln518Lys (NM_001289936.2); c.1714C>A, p.Gln572Lys (NM_001382784.1, NM_001382786.1); c.1672C>A, p.Gln558Lys (NM_001382787.1); and 4 more; short protein forms Q558K, Q518K, Q530K, Q540K, Q257K, Q447K, Q473K, Q543K.
Identifiers: ClinVar variation 1438689 (VCV001438689.8), dbSNP rs2145678432, ClinGen allele CA399292748.
Genomic context (GRCh38, chr17:39,716,384, plus strand): 5'-CAGCTGTGCGCCCGAGGGCACTGCTGGGGTCCAGGGCCCACCCAGTGTGTCAACTGCAGC[C>A]AGTTCCTTCGGGGCCAGGAGTGCGTGGAGGAATGCCGAGTACTGCAGGGGTATGAGGGGC-3'
Protein context (NP_004439.2, residues 523-543): PGPTQCVNCS[Gln533Lys]FLRGQECVEE